The following is an entry in ClinVar:

ClinVar aggregate classification (germline): Conflicting classifications of pathogenicity. Review status: criteria provided, conflicting classifications (1 of 4 stars). 7 submissions from 7 submitters: Uncertain significance (5); Likely benign (2). Last evaluated 2025-09-28.

Conditions:
Inborn genetic diseases. Identifiers: MedGen C0950123, MeSH D030342.
Bethlem myopathy 1A. Also called: Bethlem myopathy 1; Bethlem Muscular Dystrophy; MYOPATHY, BENIGN CONGENITAL, WITH CONTRACTURES. Identifiers: Orphanet 610, MedGen CN029274, MONDO:0024530, OMIM 158810.

Allele frequency attached by ClinVar (database versions not stated): 1000 Genomes Project 30x 0.00031; gnomAD 0.00017; gnomAD exomes 0.00006 and 0.00002; ExAC 0.00015; TOPMed 0.00030; ESP Exome Variant Server 0.00023; 1000 Genomes Project 0.00040.
gnomAD v4.1: 52 of 1,602,542 alleles (0.0032%); highest among the groups gnomAD compares: African/African-American, 0.053%; no homozygotes.

Submissions (7):

Mayo Clinic Laboratories, Mayo Clinic
Classification: Uncertain significance. Last evaluated: 2025-09-28. Review status: criteria provided, single submitter. Criteria: ACMG Guidelines, 2015. Collection method: clinical testing. Allele origin: germline. Observed: 1 variant allele.
Comment: BP4

Labcorp Genetics (formerly Invitae), Labcorp
Classification: Likely benign for Bethlem myopathy 1A. Last evaluated: 2025-09-09. Review status: criteria provided, single submitter. Criteria: Invitae Variant Classification Sherloc (09022015). Collection method: clinical testing. Allele origin: germline.

Ambry Genetics
Classification: Uncertain significance for Inborn genetic diseases. Last evaluated: 2025-09-01. Review status: criteria provided, single submitter. Criteria: Ambry Variant Classification Scheme 2023. Collection method: clinical testing. Allele origin: germline.

Revvity Omics, Revvity
Classification: Uncertain significance. Last evaluated: 2022-08-22. Review status: criteria provided, single submitter. Criteria: ACMG Guidelines, 2015. Collection method: clinical testing. Allele origin: germline.

GeneDx
Classification: Uncertain significance. Last evaluated: 2020-01-24. Review status: criteria provided, single submitter. Criteria: GeneDx Variant Classification Process June 2021. Collection method: clinical testing. Allele origin: germline. Affected: yes.
Comment: Has not been previously published as pathogenic or benign to our knowledge; In silico analysis, which includes protein predictors and evolutionary conservation, supports that this variant does not alter protein structure/function

Dubai Health Genomic Medicine Center, Dubai Health
Classification: Likely benign. Last evaluated: 2019-12-15. Review status: criteria provided, single submitter. Criteria: ACMG Guidelines, 2015. Collection method: clinical testing. Allele origin: germline. Affected: yes.

Eurofins Ntd Llc (ga)
Classification: Uncertain significance. Last evaluated: 2012-08-23. Review status: criteria provided, single submitter. Criteria: EGL Classification Definitions 2015. Collection method: clinical testing. Allele origin: germline. Observed: 1 variant allele, 1 heterozygote.

NM_001848.3(COL6A1):c.2091G>A (p.Met697Ile)

Gene: COL6A1 (collagen type VI alpha 1 chain; plus strand). Cytogenetic location: 21q22.3.
Variant type: single nucleotide variant.
Coding change: c.2091G>A on transcript NM_001848.3 (MANE Select); coding-DNA position 2091, G replaced by A.
Protein change: p.Met697Ile; replaces methionine 697 with isoleucine.
Molecular consequence: missense variant.
Genome position (GRCh38, 1-based): chr21:46,002,242, G>A. VCF-style: chr21-46002242-G-A. GRCh37 (hg19) VCF-style: chr21-47422156-G-A.
Identifiers: ClinVar variation 93847 (VCV000093847.23), dbSNP rs372750707, ClinGen allele CA221764.
Genomic context (GRCh38, chr21:46,002,242, plus strand): 5'-GGCCCCAACCGGCCCTTCCTGCCCTTTGCTATGCAGAGCCATCAAGAGCCTGCAGTGGAT[G>A]GCGGGCGGCACCTTCACGGGGGAGGCCCTGCAGTACACGCGGGACCAGCTGCTGCCGCCC-3'
Protein context (NP_001839.2, residues 687-707): LKEAIKSLQW[Met697Ile]AGGTFTGEAL